The following is an entry in ClinVar:

ClinVar aggregate classification (germline): Conflicting classifications of pathogenicity. Review status: criteria provided, conflicting classifications (1 of 4 stars). 2 submissions from 2 submitters: Likely pathogenic (1); Uncertain significance (1). Last evaluated 2026-01-21.

Conditions:
Glycogen storage disease, type VI (GSD6). Also called: GSD VI; Glycogen storage disease type 6, due to phosphorylation; Glycogen storage disease type 6; Hepatic glycogen phosphorylase deficiency; HERS DISEASE; PHOSPHORYLASE DEFICIENCY GLYCOGEN-STORAGE DISEASE OF LIVER. Identifiers: Orphanet 369, MedGen C0017925, MONDO:0009294, OMIM 232700.

Allele frequency attached by ClinVar (database versions not stated): TOPMed 0.00001.
gnomAD v4.1: 10 of 1,613,032 alleles (0.00062%); highest among the groups gnomAD compares: African/African-American, 0.0013%; no homozygotes.

Submissions (2):

Labcorp Genetics (formerly Invitae), Labcorp
Classification: Uncertain significance for Glycogen storage disease, type VI. Last evaluated: 2026-01-21. Review status: criteria provided, single submitter. Criteria: Invitae Variant Classification Sherloc (09022015). Collection method: clinical testing. Allele origin: germline.
Comment: This sequence change replaces threonine, which is neutral and polar, with lysine, which is basic and polar, at codon 59 of the PYGL protein (p.Thr59Lys). The frequency data for this variant in the population databases is considered unreliable, as metrics indicate poor data quality at this position in the gnomAD database. This variant has not been reported in the literature in individuals affected with PYGL-related conditions. ClinVar contains an entry for this variant (Variation ID: 803027). Invitae Evidence Modeling of protein sequence and biophysical properties (such as structural, functional, and spatial information, amino acid conservation, physicochemical variation, residue mobility, and thermodynamic stability) indicates that this missense variant is expected to disrupt PYGL protein function with a positive predictive value of 80%. In summary, the available evidence is currently insufficient to determine the role of this variant in disease. Therefore, it has been classified as a Variant of Uncertain Significance.

Mendelics
Classification: Likely pathogenic for Glycogen storage disease, type VI. Last evaluated: 2019-05-28. Review status: criteria provided, single submitter. Criteria: Mendelics Assertion Criteria 2017. Collection method: clinical testing. Allele origin: unknown.

NM_002863.5(PYGL):c.176C>A (p.Thr59Lys)

Gene: PYGL (glycogen phosphorylase L; minus strand). Cytogenetic location: 14q22.1.
Variant type: single nucleotide variant.
Coding change: c.176C>A on transcript NM_002863.5 (MANE Select); coding-DNA position 176, C replaced by A.
Protein change: p.Thr59Lys; replaces threonine 59 with lysine.
Molecular consequence: missense variant.
Genome position (GRCh38, 1-based): chr14:50,944,228, G>T on the plus strand (C>A on the coding strand, the complement: PYGL is on the minus strand). VCF-style: chr14-50944228-G-T. GRCh37 (hg19) VCF-style: chr14-51410946-G-T.
Other names: c.176C>A, p.Thr59Lys (NM_001163940.2); short protein forms T59K.
Identifiers: ClinVar variation 803027 (VCV000803027.2), dbSNP rs150483902, ClinGen allele CA260846444.